The following is an entry in ClinVar:

ClinVar aggregate classification (germline): Uncertain significance (1 of 4 stars; one submission).

Allele frequency attached by ClinVar (database versions not stated): gnomAD exomes below 0.00001; ExAC 0.00001.

Submission:

GeneDx
Classification: Uncertain significance. Last evaluated: 2022-04-21. Review status: criteria provided, single submitter. Criteria: GeneDx Variant Classification Process June 2021. Collection method: clinical testing. Allele origin: germline. Affected: yes.
Comment: Frameshift variant predicted to result in protein truncation or nonsense mediated decay in a gene or region of a gene for which loss of function is not a well-established mechanism of disease; De novo variant with confirmed parentage; however, the reported clinical features are only partially consistent with the features typically observed in individuals with pathogenic variants in this gene; Has not been previously published as pathogenic or benign to our knowledge

NM_004539.4(NARS1):c.1375dup (p.Thr459fs)

Gene: NARS1 (asparaginyl-tRNA synthetase 1; minus strand). Cytogenetic location: 18q21.31.
Variant type: Duplication.
Coding change: c.1375dup on transcript NM_004539.4 (MANE Select); coding-DNA position 1375, one base duplicated (A; older notation c.1375dupA).
Protein change: p.Thr459fs; shifts the reading frame from threonine 459.
Molecular consequence: frameshift variant.
Genome position (GRCh38, 1-based): chr18:57,602,820, T duplicated on the plus strand (A on the coding strand, the reverse complement: NARS1 is on the minus strand). VCF-style (leftmost placement, unchanged base first): chr18-57602819-G-GT. GRCh37 (hg19) VCF-style: chr18-55270051-G-GT.
Other names: short protein forms T459fs.
Identifiers: ClinVar variation 1712061 (VCV001712061.2), dbSNP rs781013738, ClinGen allele CA8973435.
Genomic context (GRCh38, chr18:57,602,819, plus strand): 5'-CCCCACCCCCTTAAAAAGCAAAATTATTAATACTCTTTGAAACAGAAACTGACAGATTCA[G>GT]TAAGACGGGAATCCTCAGGACATCGCTGCATGTAGAAGGACTTGATCTCCACAGGAAATC-3'